The following is an entry in ClinVar:

ClinVar aggregate classification (germline): Conflicting classifications of pathogenicity. Review status: criteria provided, conflicting classifications (1 of 4 stars). 2 submissions from 2 submitters: Uncertain significance (1); Likely benign (1). Last evaluated 2023-03-29.

Conditions:
Inborn genetic diseases. Identifiers: MedGen C0950123, MeSH D030342.

Allele frequency attached by ClinVar (database versions not stated): gnomAD 0.00006 and 0.00007; ExAC 0.00007; gnomAD exomes 0.00009; TOPMed 0.00012; 1000 Genomes Project 30x 0.00016; 1000 Genomes Project 0.00020.
gnomAD v4.1: 176 of 1,613,600 alleles (0.011%); highest among the groups gnomAD compares: East Asian, 0.36%; no homozygotes.

Submissions (2):

Ambry Genetics
Classification: Likely benign for Inborn genetic diseases. Last evaluated: 2023-03-29. Review status: criteria provided, single submitter. Criteria: Ambry Variant Classification Scheme 2023. Collection method: clinical testing. Allele origin: germline.

Labcorp Genetics (formerly Invitae), Labcorp
Classification: Uncertain significance. Last evaluated: 2021-09-06. Review status: criteria provided, single submitter. Criteria: Invitae Variant Classification Sherloc (09022015). Collection method: clinical testing. Allele origin: germline.
Comment: This sequence change replaces arginine with glutamine at codon 445 of the C6 protein (p.Arg445Gln). The arginine residue is weakly conserved and there is a small physicochemical difference between arginine and glutamine. This variant is present in population databases (rs141885438, ExAC 0.09%). This variant has not been reported in the literature in individuals affected with C6-related conditions. Algorithms developed to predict the effect of missense changes on protein structure and function output the following: SIFT: "Tolerated"; PolyPhen-2: "Benign"; Align-GVGD: "Class C0". The glutamine amino acid residue is found in multiple mammalian species, which suggests that this missense change does not adversely affect protein function. In summary, the available evidence is currently insufficient to determine the role of this variant in disease. Therefore, it has been classified as a Variant of Uncertain Significance.

NM_000065.5(C6):c.1334G>A (p.Arg445Gln)

Gene: C6 (complement C6; minus strand). Cytogenetic location: 5p13.1.
Variant type: single nucleotide variant.
Coding change: c.1334G>A on transcript NM_000065.5 (MANE Select); coding-DNA position 1334, G replaced by A.
Protein change: p.Arg445Gln; replaces arginine 445 with glutamine.
Molecular consequence: missense variant.
Genome position (GRCh38, 1-based): chr5:41,161,817, C>T on the plus strand (G>A on the coding strand, the complement: C6 is on the minus strand). VCF-style: chr5-41161817-C-T. GRCh37 (hg19) VCF-style: chr5-41161919-C-T.
Other names: c.1334G>A, p.Arg445Gln (NM_001115131.4); c.1334G>A (NM_000065.2); short protein forms R445Q.
Identifiers: ClinVar variation 1401063 (VCV001401063.6), dbSNP rs141885438, ClinGen allele CA3252491.